The following is an entry in ClinVar:

ClinVar aggregate classification (germline): Pathogenic. Review status: criteria provided, multiple submitters, no conflicts (2 of 4 stars). 2 submissions from 2 submitters: Pathogenic (2). Last evaluated 2024-11-27.

Conditions:
CEP290-related ciliopathy. Also called: CEP290 ciliopathy. Identifiers: MedGen CN305601, MONDO:0100451.
Meckel-Gruber syndrome. Also called: DYSENCEPHALIA SPLANCHNOCYSTICA; GRUBER SYNDROME; Dysencephalia splachnocystica. Identifiers: Orphanet 564, MedGen C0265215, MONDO:0018921.
Joubert syndrome. Also called: JOUBERT-BOLTSHAUSER SYNDROME; Familial aplasia of the vermis. Identifiers: Orphanet 475, MedGen C5979921, MONDO:0018772.
Nephronophthisis. Also called: Juvenile Nephronophthisis. Identifiers: Orphanet 655, MedGen C0687120, MONDO:0019005, HP:0000090.

Submissions (2):

Myriad Genetics, Inc.
Classification: Pathogenic for CEP290-related ciliopathy. Last evaluated: 2024-11-27. Review status: criteria provided, single submitter. Criteria: Myriad Autosomal Dominant, Autosomal Recessive and X-Linked Classification Criteria (2023). Collection method: clinical testing. Allele origin: unknown.
Comment: NM_025114.3(CEP290):c.850C>T(Q284*) is expected to be pathogenic in the context of CEP290-related disorders. This variant is predicted to lead to an abnormal or absent protein product due to the creation of a premature termination codon in CEP290, a gene where loss-of-function variants are known to be pathogenic. Please note: this variant was assessed in the context of healthy population screening.

Labcorp Genetics (formerly Invitae), Labcorp
Classification: Pathogenic for Joubert syndrome; Meckel-Gruber syndrome; Nephronophthisis. Last evaluated: 2023-10-23. Review status: criteria provided, single submitter. Criteria: Invitae Variant Classification Sherloc (09022015). Collection method: clinical testing. Allele origin: germline.
Comment: This sequence change creates a premature translational stop signal (p.Gln284*) in the CEP290 gene. It is expected to result in an absent or disrupted protein product. Loss-of-function variants in CEP290 are known to be pathogenic (PMID: 16909394, 17345604, 20690115). This variant is not present in population databases (gnomAD no frequency). This variant has not been reported in the literature in individuals affected with CEP290-related conditions. For these reasons, this variant has been classified as Pathogenic.

Literature cited by the submitters: PubMed 16909394 (cited by Labcorp Genetics (formerly Invitae), Labcorp); PubMed 17345604 (cited by Labcorp Genetics (formerly Invitae), Labcorp); PubMed 20690115 (cited by Labcorp Genetics (formerly Invitae), Labcorp).

NM_025114.4(CEP290):c.850C>T (p.Gln284Ter)

Gene: CEP290 (centrosomal protein 290; minus strand). Cytogenetic location: 12q21.32.
Variant type: single nucleotide variant.
Coding change: c.850C>T on transcript NM_025114.4 (MANE Select); coding-DNA position 850, C replaced by T.
Protein change: p.Gln284Ter; replaces glutamine 284 with a stop codon.
Molecular consequence: nonsense.
Genome position (GRCh38, 1-based): chr12:88,129,696, G>A on the plus strand (C>T on the coding strand, the complement: CEP290 is on the minus strand). VCF-style: chr12-88129696-G-A. GRCh37 (hg19) VCF-style: chr12-88523473-G-A.
Other names: short protein forms Q284*.
Identifiers: ClinVar variation 2953231 (VCV002953231.4), dbSNP rs2501462993, ClinGen allele CA385984176.